The following is an entry in ClinVar:

ClinVar aggregate classification (germline): Uncertain significance (1 of 4 stars; one submission).

Allele frequency attached by ClinVar (database versions not stated): gnomAD exomes 0.00001; gnomAD 0.00001; ExAC 0.00001.
gnomAD v4.1: 9 of 1,614,078 alleles (0.00056%); highest among the groups gnomAD compares: East Asian, 0.0022%; no homozygotes.

Submission:

Labcorp Genetics (formerly Invitae), Labcorp
Classification: Uncertain significance. Last evaluated: 2025-04-17. Review status: criteria provided, single submitter. Criteria: Invitae Variant Classification Sherloc (09022015). Collection method: clinical testing. Allele origin: germline.
Comment: This sequence change replaces arginine, which is basic and polar, with glutamine, which is neutral and polar, at codon 325 of the RFWD3 protein (p.Arg325Gln). This variant is present in population databases (rs779488270, gnomAD 0.005%). This variant has not been reported in the literature in individuals affected with RFWD3-related conditions. ClinVar contains an entry for this variant (Variation ID: 2790970). An algorithm developed to predict the effect of missense changes on protein structure and function (PolyPhen-2) suggests that this variant is likely to be disruptive. In summary, the available evidence is currently insufficient to determine the role of this variant in disease. Therefore, it has been classified as a Variant of Uncertain Significance.

NM_018124.4(RFWD3):c.974G>A (p.Arg325Gln)

Gene: RFWD3 (ring finger and WD repeat domain 3; minus strand). Cytogenetic location: 16q23.1.
Variant type: single nucleotide variant.
Coding change: c.974G>A on transcript NM_018124.4 (MANE Select); coding-DNA position 974, G replaced by A.
Protein change: p.Arg325Gln; replaces arginine 325 with glutamine.
Molecular consequence: missense variant.
Genome position (GRCh38, 1-based): chr16:74,644,554, C>T on the plus strand (G>A on the coding strand, the complement: RFWD3 is on the minus strand). VCF-style: chr16-74644554-C-T. GRCh37 (hg19) VCF-style: chr16-74678452-C-T.
Other names: c.974G>A, p.Arg325Gln (NM_001370536.1, NM_001370534.1, NM_001370535.1); c.140G>A, p.Arg47Gln (NM_001370537.1, NM_001370539.1, NM_001370540.1 and 3 more transcripts); short protein forms R325Q, R47Q.
Identifiers: ClinVar variation 2790970 (VCV002790970.3), dbSNP rs779488270, ClinGen allele CA8169383.